The following is an entry in ClinVar:

ClinVar aggregate classification (germline): Benign/Likely benign. Review status: criteria provided, multiple submitters, no conflicts (2 of 4 stars). 3 submissions from 3 submitters: Benign (1); Likely benign (2). Last evaluated 2024-08-19.

Conditions:
Hereditary cancer-predisposing syndrome. Also called: Neoplastic Syndromes, Hereditary; Hereditary neoplastic syndrome; Tumor predisposition; Hereditary Cancer Syndrome. Identifiers: Orphanet 140162, MedGen C0027672, MeSH D009386, MONDO:0015356.
Juvenile polyposis syndrome (JPS). Identifiers: Orphanet 2929, MedGen C0345893, MONDO:0017380, OMIM 174900.

Allele frequency attached by ClinVar (database versions not stated): gnomAD exomes 0.00001.
gnomAD v4.1: 19 of 1,613,274 alleles (0.0012%); highest among the groups gnomAD compares: Non-Finnish European, 0.0016%; no homozygotes.

Submissions (3):

Labcorp Genetics (formerly Invitae), Labcorp
Classification: Likely benign for Juvenile polyposis syndrome. Last evaluated: 2024-08-19. Review status: criteria provided, single submitter. Criteria: Invitae Variant Classification Sherloc (09022015). Collection method: clinical testing. Allele origin: germline.

Myriad Genetics, Inc.
Classification: Benign for Juvenile polyposis syndrome. Last evaluated: 2024-08-06. Review status: criteria provided, single submitter. Criteria: Myriad Autosomal Dominant, Autosomal Recessive and X-Linked Classification Criteria (2023). Collection method: clinical testing. Allele origin: unknown.
Comment: This variant is considered benign. This variant is a silent/synonymous amino acid change and it is not expected to impact splicing.

Ambry Genetics
Classification: Likely benign for Hereditary cancer-predisposing syndrome. Last evaluated: 2018-09-28. Review status: criteria provided, single submitter. Criteria: Ambry Variant Classification Scheme 2023. Collection method: clinical testing. Allele origin: germline.

NM_004329.3(BMPR1A):c.1053C>T (p.Gly351=)

Gene: BMPR1A (bone morphogenetic protein receptor type 1A; plus strand). Cytogenetic location: 10q23.2.
Variant type: single nucleotide variant.
Coding change: c.1053C>T on transcript NM_004329.3 (MANE Select); coding-DNA position 1053, C replaced by T.
Protein change: p.Gly351=; no amino-acid change (glycine 351 retained).
Molecular consequence: synonymous variant.
Genome position (GRCh38, 1-based): chr10:86,919,356, C>T. VCF-style: chr10-86919356-C-T. GRCh37 (hg19) VCF-style: chr10-88679113-C-T.
Identifiers: ClinVar variation 529898 (VCV000529898.15), dbSNP rs1554891081, ClinGen allele CA470373157.